The following is an entry in ClinVar:

NM_000170.3(GLDC):c.2578G>A (p.Gly860Ser)

Gene: GLDC (glycine decarboxylase; minus strand). Cytogenetic location: 9p24.1.
Variant type: single nucleotide variant.
Coding change: c.2578G>A on transcript NM_000170.3 (MANE Select); coding-DNA position 2578, G replaced by A.
Protein change: p.Gly860Ser; replaces glycine 860 with serine.
Molecular consequence: missense variant.
Genome position (GRCh38, 1-based): chr9:6,540,138, C>T on the plus strand (G>A on the coding strand, the complement: GLDC is on the minus strand). VCF-style: chr9-6540138-C-T. GRCh37 (hg19) VCF-style: chr9-6540138-C-T.
Other names: c.2578G>A (NM_000170.2); short protein forms G860S.
Identifiers: ClinVar variation 1397891 (VCV001397891.5), dbSNP rs753759723, ClinGen allele CA4980144.
Genomic context (GRCh38, chr9:6,540,138, plus strand): 5'-CCACAGCCTCAATATTTGCAGACTTTTTGAAGGGTCTCGTGTCCAAAATAAATTCATGAC[C>T]CACATAACCTGTTCAGGAAAGTTGTTTCAGCCCAAGATTAGCATCAGCTTATTGTTTTAC-3'
Protein context (NP_000161.2, residues 850-870): ILFRGARGYV[Gly860Ser]HEFILDTRPF

ClinVar aggregate classification (germline): Uncertain significance. Review status: criteria provided, multiple submitters, no conflicts (2 of 4 stars). 2 submissions from 2 submitters: Uncertain significance (2). Last evaluated 2023-08-21.

Conditions:
Inborn genetic diseases. Identifiers: MedGen C0950123, MeSH D030342.
Glycine encephalopathy. Also called: Nonketotic hyperglycinemia; Non-ketotic hyperglycinemia. Identifiers: Orphanet 407, MedGen C0751748, MONDO:0011612, HP:0008288.

Allele frequency attached by ClinVar (database versions not stated): gnomAD exomes 0.00001; ExAC 0.00002; gnomAD 0.00004 and 0.00005; TOPMed 0.00005.
gnomAD v4.1: 78 of 1,607,022 alleles (0.0049%); highest among the groups gnomAD compares: Non-Finnish European, 0.006%; no homozygotes.

Submissions (2):

Ambry Genetics
Classification: Uncertain significance for Inborn genetic diseases. Last evaluated: 2023-08-21. Review status: criteria provided, single submitter. Criteria: Ambry Variant Classification Scheme 2023. Collection method: clinical testing. Allele origin: germline.

Labcorp Genetics (formerly Invitae), Labcorp
Classification: Uncertain significance for Glycine encephalopathy. Last evaluated: 2022-07-30. Review status: criteria provided, single submitter. Criteria: Invitae Variant Classification Sherloc (09022015). Collection method: clinical testing. Allele origin: germline.
Comment: This sequence change replaces glycine, which is neutral and non-polar, with serine, which is neutral and polar, at codon 860 of the GLDC protein (p.Gly860Ser). This variant is present in population databases (rs753759723, gnomAD 0.002%). This variant has not been reported in the literature in individuals affected with GLDC-related conditions. ClinVar contains an entry for this variant (Variation ID: 1397891). Advanced modeling of protein sequence and biophysical properties (such as structural, functional, and spatial information, amino acid conservation, physicochemical variation, residue mobility, and thermodynamic stability) performed at Invitae indicates that this missense variant is not expected to disrupt GLDC protein function. In summary, the available evidence is currently insufficient to determine the role of this variant in disease. Therefore, it has been classified as a Variant of Uncertain Significance.